The following is an entry in ClinVar:

ClinVar aggregate classification (germline): Uncertain significance. Review status: criteria provided, multiple submitters, no conflicts (2 of 4 stars). 3 submissions from 3 submitters: Uncertain significance (3). Last evaluated 2024-10-03.

Conditions:
Inborn genetic diseases. Identifiers: MedGen C0950123, MeSH D030342.

Allele frequency attached by ClinVar (database versions not stated): gnomAD 0.00001; gnomAD exomes 0.00003; TOPMed 0.00003.

Submissions (3):

Ambry Genetics
Classification: Uncertain significance for Inborn genetic diseases. Last evaluated: 2024-10-03. Review status: criteria provided, single submitter. Criteria: Ambry Variant Classification Scheme 2023. Collection method: clinical testing. Allele origin: germline.

Labcorp Genetics (formerly Invitae), Labcorp
Classification: Uncertain significance. Last evaluated: 2023-05-23. Review status: criteria provided, single submitter. Criteria: Invitae Variant Classification Sherloc (09022015). Collection method: clinical testing. Allele origin: germline.
Comment: Advanced modeling of protein sequence and biophysical properties (such as structural, functional, and spatial information, amino acid conservation, physicochemical variation, residue mobility, and thermodynamic stability) performed at Invitae indicates that this missense variant is not expected to disrupt CUL7 protein function. ClinVar contains an entry for this variant (Variation ID: 1205820). This variant has not been reported in the literature in individuals affected with CUL7-related conditions. This variant is present in population databases (rs781418499, gnomAD 0.008%). This sequence change replaces arginine, which is basic and polar, with cysteine, which is neutral and slightly polar, at codon 1145 of the CUL7 protein (p.Arg1145Cys). In summary, the available evidence is currently insufficient to determine the role of this variant in disease. Therefore, it has been classified as a Variant of Uncertain Significance.

GeneDx
Classification: Uncertain significance. Last evaluated: 2020-05-14. Review status: criteria provided, single submitter. Criteria: GeneDx Variant Classification Process June 2021. Collection method: clinical testing. Allele origin: germline. Affected: yes.
Comment: Has not been previously published as pathogenic or benign to our knowledge; In silico analysis, which includes protein predictors and evolutionary conservation, supports a deleterious effect

NM_014780.5(CUL7):c.3433C>T (p.Arg1145Cys)

Gene: CUL7 (cullin 7; minus strand). Cytogenetic location: 6p21.1.
Variant type: single nucleotide variant.
Coding change: c.3433C>T on transcript NM_014780.5 (MANE Select); coding-DNA position 3433, C replaced by T.
Protein change: p.Arg1145Cys; replaces arginine 1145 with cysteine.
Molecular consequence: missense variant.
Genome position (GRCh38, 1-based): chr6:43,043,103, G>A on the plus strand (C>T on the coding strand, the complement: CUL7 is on the minus strand). VCF-style: chr6-43043103-G-A. GRCh37 (hg19) VCF-style: chr6-43010841-G-A.
Other names: c.3529C>T, p.Arg1177Cys (NM_001168370.2, NM_001374872.1); c.3433C>T, p.Arg1145Cys (NM_001374873.1); c.3430C>T, p.Arg1144Cys (NM_001374874.1); short protein forms R1144C, R1145C, R1177C.
Identifiers: ClinVar variation 1205820 (VCV001205820.10), dbSNP rs781418499, ClinGen allele CA3813489.
Genomic context (GRCh38, chr6:43,043,103, plus strand): 5'-CCCTCTCTCCCGCAGGCCTGCTCCTGCCCACCTGCTTCTCCACCACGGCCCGCCAACAGC[G>A]CGTCAGGTTTCTCATGATGCTGCTTGGAAGGCCCCGGGTAGCCAAGGAGCTCCAGTCGTG-3'
Protein context (NP_055595.2, residues 1135-1155): LPSSIMRNLT[Arg1145Cys]CWRAVVEKQV